The following is an entry in ClinVar:

NM_000334.4(SCN4A):c.803G>C (p.Gly268Ala)

Gene: SCN4A (sodium voltage-gated channel alpha subunit 4; minus strand). Cytogenetic location: 17q23.3.
Variant type: single nucleotide variant.
Coding change: c.803G>C on transcript NM_000334.4 (MANE Select); coding-DNA position 803, G replaced by C.
Protein change: p.Gly268Ala; replaces glycine 268 with alanine.
Molecular consequence: missense variant.
Genome position (GRCh38, 1-based): chr17:63,968,256, C>G on the plus strand (G>C on the coding strand, the complement: SCN4A is on the minus strand). VCF-style: chr17-63968256-C-G. GRCh37 (hg19) VCF-style: chr17-62045616-C-G.
Other names: short protein forms G268A.
Identifiers: ClinVar variation 2803115 (VCV002803115.4), dbSNP rs748199549, ClinGen allele CA8710033.

ClinVar aggregate classification (germline): Uncertain significance. Review status: criteria provided, multiple submitters, no conflicts (2 of 4 stars). 2 submissions from 2 submitters: Uncertain significance (2). Last evaluated 2024-02-23.

Conditions:
Hyperkalemic periodic paralysis. Also called: Familial hyperkalemic periodic paralysis; Gamstorp disease. Identifiers: Orphanet 682, MedGen C0238357, MONDO:0008224, OMIM 170500, HP:0007215.

Allele frequency attached by ClinVar (database versions not stated): gnomAD 0.00005; ExAC 0.00007.

Submissions (2):

Labcorp Genetics (formerly Invitae), Labcorp
Classification: Uncertain significance for Hyperkalemic periodic paralysis. Last evaluated: 2024-02-23. Review status: criteria provided, single submitter. Criteria: Invitae Variant Classification Sherloc (09022015). Collection method: clinical testing. Allele origin: germline.
Comment: This sequence change replaces glycine, which is neutral and non-polar, with alanine, which is neutral and non-polar, at codon 268 of the SCN4A protein (p.Gly268Ala). This variant is present in population databases (rs748199549, gnomAD 0.1%). This variant has not been reported in the literature in individuals affected with SCN4A-related conditions. Advanced modeling of protein sequence and biophysical properties (such as structural, functional, and spatial information, amino acid conservation, physicochemical variation, residue mobility, and thermodynamic stability) performed at Invitae indicates that this missense variant is not expected to disrupt SCN4A protein function with a negative predictive value of 80%. In summary, the available evidence is currently insufficient to determine the role of this variant in disease. Therefore, it has been classified as a Variant of Uncertain Significance.

GeneDx
Classification: Uncertain significance. Last evaluated: 2023-06-01. Review status: criteria provided, single submitter. Criteria: GeneDx Variant Classification Process June 2021. Collection method: clinical testing. Allele origin: germline. Affected: yes.
Comment: In silico analysis supports that this missense variant has a deleterious effect on protein structure/function; Has not been previously published as pathogenic or benign to our knowledge